The following is an entry in ClinVar:

ClinVar aggregate classification (germline): Uncertain significance (1 of 4 stars; one submission).

Conditions:
Familial adenomatous polyposis 1 (FAP1). Also called: POLYPOSIS, ADENOMATOUS INTESTINAL; FAMILIAL ADENOMATOUS POLYPOSIS 1, ATTENUATED. Identifiers: MedGen C2713442, MONDO:0021056, OMIM 175100. Disease mechanism: loss of function.

Submission:

Labcorp Genetics (formerly Invitae), Labcorp
Classification: Uncertain significance for Familial adenomatous polyposis 1. Last evaluated: 2019-07-17. Review status: criteria provided, single submitter. Criteria: Invitae Variant Classification Sherloc (09022015). Collection method: clinical testing. Allele origin: germline.
Comment: Algorithms developed to predict the effect of missense changes on protein structure and function are either unavailable or do not agree on the potential impact of this missense change (SIFT: "Tolerated"; PolyPhen-2: "Probably Damaging"; Align-GVGD: "Class C0"). In summary, the available evidence is currently insufficient to determine the role of this variant in disease. Therefore, it has been classified as a Variant of Uncertain Significance. This sequence change replaces isoleucine with methionine at codon 2231 of the APC protein (p.Ile2231Met). The isoleucine residue is highly conserved and there is a small physicochemical difference between isoleucine and methionine. This variant is not present in population databases (ExAC no frequency). This variant has not been reported in the literature in individuals with APC-related conditions.

NM_000038.6(APC):c.6693T>G (p.Ile2231Met)

Gene: APC (APC regulator of Wnt signaling pathway; plus strand). Cytogenetic location: 5q22.2.
Variant type: single nucleotide variant.
Coding change: c.6693T>G on transcript NM_000038.6 (MANE Select); coding-DNA position 6693, T replaced by G.
Protein change: p.Ile2231Met; replaces isoleucine 2231 with methionine.
Molecular consequence: missense variant.
Genome position (GRCh38, 1-based): chr5:112,842,287, T>G. VCF-style: chr5-112842287-T-G. GRCh37 (hg19) VCF-style: chr5-112177984-T-G.
Other names: c.6693T>G, p.Ile2231Met (NM_001127510.3, NM_001354895.2); c.6639T>G, p.Ile2213Met (NM_001127511.3); c.6747T>G, p.Ile2249Met (NM_001354896.2); c.6723T>G, p.Ile2241Met (NM_001354897.2); c.6618T>G, p.Ile2206Met (NM_001354898.2); c.6609T>G, p.Ile2203Met (NM_001354899.2); c.6570T>G, p.Ile2190Met (NM_001354900.2); c.6516T>G, p.Ile2172Met (NM_001354901.2); and 5 more; short protein forms I2190M, I2206M, I2231M, I2071M, I2105M, I2140M, I2203M, I2213M.
Identifiers: ClinVar variation 959290 (VCV000959290.11), dbSNP rs1766278057, ClinGen allele CA16035963.